The following is an entry in ClinVar:

ClinVar aggregate classification (germline): Conflicting classifications of pathogenicity. Review status: criteria provided, conflicting classifications (1 of 4 stars). 2 submissions from 2 submitters: Pathogenic (1); Uncertain significance (1). Last evaluated 2026-03-23.

Conditions:
ZIC2-related disorder. Also called: ZIC2-related condition.

Submissions (2):

GeneDx
Classification: Pathogenic. Last evaluated: 2026-03-23. Review status: criteria provided, single submitter. Criteria: GeneDx Variant Classification Process June 2021. Collection method: clinical testing. Allele origin: germline.
Comment: Not observed at significant frequency in large population cohorts (gnomAD); In silico analysis supports that this missense variant has a deleterious effect on protein structure/function; This variant is associated with the following publications: (PMID: 19177455)

PreventionGenetics, part of Exact Sciences
Classification: Uncertain significance for ZIC2-related condition. Last evaluated: 2025-08-05. Review status: criteria provided, single submitter. Criteria: ACMG Guidelines, 2015. Collection method: clinical testing. Allele origin: germline.
Comment: The ZIC2 c.979C>T variant is predicted to result in the amino acid substitution p.His327Tyr. This variant has been reported in an individual with holoprosencephaly (Roessler et al. 2009. PubMed ID: 19177455). This variant has not been reported in a large population database (gnomAD), indicating this variant is rare. Although we suspect that this variant may be pathogenic, at this time, the clinical significance of this variant is uncertain due to the absence of conclusive functional and genetic evidence.

NM_007129.5(ZIC2):c.979C>T (p.His327Tyr)

Gene: ZIC2 (Zic family zinc finger 2; plus strand). Cytogenetic location: 13q32.3.
Variant type: single nucleotide variant.
Coding change: c.979C>T on transcript NM_007129.5 (MANE Select); coding-DNA position 979, C replaced by T.
Protein change: p.His327Tyr; replaces histidine 327 with tyrosine.
Molecular consequence: missense variant.
Genome position (GRCh38, 1-based): chr13:99,983,043, C>T. VCF-style: chr13-99983043-C-T. GRCh37 (hg19) VCF-style: chr13-100635297-C-T.
Other names: short protein forms H327Y.
Identifiers: ClinVar variation 5002367 (VCV005002367.2).